The following is an entry in ClinVar:

ClinVar aggregate classification (germline): Uncertain significance (1 of 4 stars; one submission).

Conditions:
Congenital myasthenic syndrome 3A. Also called: Myasthenic syndrome, congenital, 3a, slow-channel. Identifiers: Orphanet 590, MedGen C4225372, MONDO:0014583, OMIM 616321.
Congenital myasthenic syndrome 3B (CMS3B). Also called: Myasthenic syndrome, congenital, 3B, fast-channel. Identifiers: Orphanet 590, MedGen C4225371, MONDO:0014584, OMIM 616322.
Congenital myasthenic syndrome 3C. Also called: Myasthenic syndrome, congenital, 3c, associated with acetylcholine receptor deficiency. Identifiers: Orphanet 590, MedGen C4225370, MONDO:0014585, OMIM 616323.

Submission:

Kariminejad - Najmabadi Pathology & Genetics Center
Classification: Uncertain significance for Congenital myasthenic syndrome 3A; Congenital myasthenic syndrome 3C; Congenital myasthenic syndrome 3B. Last evaluated: 2024-04-02. Review status: criteria provided, single submitter. Criteria: ACMG Guidelines, 2015. Collection method: clinical testing. Allele origin: germline. Inheritance: Autosomal recessive inheritance. Affected: yes.
Comment: PM2,PP3

NM_000751.3(CHRND):c.756C>A (p.Asn252Lys)

Gene: CHRND (cholinergic receptor nicotinic delta subunit; plus strand). Cytogenetic location: 2q37.1.
Variant type: single nucleotide variant.
Coding change: c.756C>A on transcript NM_000751.3 (MANE Select); coding-DNA position 756, C replaced by A.
Protein change: p.Asn252Lys; replaces asparagine 252 with lysine.
Molecular consequence: missense variant. On other transcripts: intron variant (1).
Genome position (GRCh38, 1-based): chr2:232,530,075, C>A. VCF-style: chr2-232530075-C-A. GRCh37 (hg19) VCF-style: chr2-233394785-C-A.
Other names: c.711C>A, p.Asn237Lys (NM_001256657.2); c.453C>A, p.Asn151Lys (NM_001311196.2); c.239-1277C>A (NM_001311195.2); short protein forms N151K, N237K, N252K.
Identifiers: ClinVar variation 3896802 (VCV003896802.1).
Genomic context (GRCh38, chr2:232,530,075, plus strand): 5'-CCGCCAGGACATCACCTTCTACCTCATCATCCGCCGCAAGCCCCTCTTCTACATCATCAA[C>A]ATCCTGGTGCCCTGCGTGCTCATCTCCTTCATGGTCAACCTGGTCTTCTACCTACCGGCT-3'
Protein context (NP_000742.1, residues 242-262): IRRKPLFYII[Asn252Lys]ILVPCVLISF